The following is an entry in ClinVar:

NM_001130987.2(DYSF):c.2237A>G (p.His746Arg)

Gene: DYSF (dysferlin; plus strand). Cytogenetic location: 2p13.2.
Variant type: single nucleotide variant.
Coding change: c.2237A>G on transcript NM_001130987.2 (MANE Select); coding-DNA position 2237, A replaced by G.
Protein change: p.His746Arg; replaces histidine 746 with arginine.
Molecular consequence: missense variant.
Genome position (GRCh38, 1-based): chr2:71,561,772, A>G. VCF-style: chr2-71561772-A-G. GRCh37 (hg19) VCF-style: chr2-71788902-A-G.
Other names: c.2186A>G, p.His729Arg (NM_001130455.2, NM_001130983.2); c.2141A>G, p.His714Arg (NM_001130976.2, NM_001130977.2); c.2183A>G, p.His728Arg (NM_001130978.2, NM_003494.4); c.2276A>G, p.His759Arg (NM_001130979.2); c.2234A>G, p.His745Arg (NM_001130980.2, NM_001130981.2); c.2279A>G, p.His760Arg (NM_001130982.2); c.2144A>G, p.His715Arg (NM_001130984.2, NM_001130986.2); c.2237A>G, p.His746Arg (NM_001130985.2); short protein forms H714R, H729R, H760R, H715R, H745R, H728R, H746R, H759R.
Identifiers: ClinVar variation 2174109 (VCV002174109.4), dbSNP rs2091787201, ClinGen allele CA347208684.

ClinVar aggregate classification (germline): Uncertain significance (1 of 4 stars; one submission).

Conditions:
Neuromuscular disease caused by qualitative or quantitative defects of dysferlin. Also called: Dysferlinopathy; Qualitative or quantitative defects of dysferlin. Identifiers: Orphanet 207073, MedGen C2931687, MONDO:0016145.

Allele frequency attached by ClinVar (database versions not stated): TOPMed below 0.00001.

Submission:

Labcorp Genetics (formerly Invitae), Labcorp
Classification: Uncertain significance for Neuromuscular disease caused by qualitative or quantitative defects of dysferlin. Last evaluated: 2025-06-12. Review status: criteria provided, single submitter. Criteria: Invitae Variant Classification Sherloc (09022015). Collection method: clinical testing. Allele origin: germline.
Comment: This sequence change replaces histidine, which is basic and polar, with arginine, which is basic and polar, at codon 728 of the DYSF protein (p.His728Arg). This variant is not present in population databases (gnomAD no frequency). This variant has not been reported in the literature in individuals affected with DYSF-related conditions. ClinVar contains an entry for this variant (Variation ID: 2174109). Invitae Evidence Modeling of protein sequence and biophysical properties (such as structural, functional, and spatial information, amino acid conservation, physicochemical variation, residue mobility, and thermodynamic stability) indicates that this missense variant is not expected to disrupt DYSF protein function with a negative predictive value of 95%. In summary, the available evidence is currently insufficient to determine the role of this variant in disease. Therefore, it has been classified as a Variant of Uncertain Significance.